The following is an entry in ClinVar:

ClinVar aggregate classification (germline): Benign/Likely benign. Review status: criteria provided, single submitter (1 of 4 stars). 2 submissions from 1 submitter: Benign (1); Likely benign (1). Last evaluated 2018-01-13.

Conditions:
Brugada syndrome 5 (BRGDA5). Identifiers: Orphanet 130, Orphanet 871, MedGen C2748541, MONDO:0013015, OMIM 612838.
Generalized epilepsy with febrile seizures plus, type 1 (GEFSP1). Also called: GEFS+, TYPE 1. Identifiers: Orphanet 36387, MedGen C1858672, MONDO:0011416, OMIM 604233.

Allele frequency attached by ClinVar (database versions not stated): TOPMed 0.00680; gnomAD 0.00693; 1000 Genomes Project 0.00899; 1000 Genomes Project 30x 0.00921.

Submissions (2):

Illumina Laboratory Services, Illumina
Classification: Likely benign for Generalized epilepsy with febrile seizures plus, type 1. Last evaluated: 2018-01-13. Review status: criteria provided, single submitter. Criteria: ICSL Variant Classification Criteria 13 December 2019. Collection method: clinical testing. Allele origin: germline.
Comment: This variant was observed in the ICSL laboratory as part of a predisposition screen in an ostensibly healthy population. It had not been previously curated by ICSL or reported in the Human Gene Mutation Database (HGMD: prior to June 1st, 2018), and was therefore a candidate for classification through an automated scoring system. Utilizing variant allele frequency, disease prevalence and penetrance estimates, and inheritance mode, an automated score was calculated to assess if this variant is too frequent to cause the disease. Based on the score and internal cut-off values, a variant classified as likely benign is not then subjected to further curation. The score for this variant resulted in a classification of likely benign for this disease.

Illumina Laboratory Services, Illumina
Classification: Benign for Brugada syndrome 5. Last evaluated: 2018-01-13. Review status: criteria provided, single submitter. Criteria: ICSL Variant Classification Criteria 13 December 2019. Collection method: clinical testing. Allele origin: germline.
Comment: This variant was observed in the ICSL laboratory as part of a predisposition screen in an ostensibly healthy population. It had not been previously curated by ICSL or reported in the Human Gene Mutation Database (HGMD: prior to June 1st, 2018), and was therefore a candidate for classification through an automated scoring system. Utilizing variant allele frequency, disease prevalence and penetrance estimates, and inheritance mode, an automated score was calculated to assess if this variant is too frequent to cause the disease. Based on the score and internal cut-off values, a variant classified as benign is not then subjected to further curation. The score for this variant resulted in a classification of benign for this disease.

NM_001037.5(SCN1B):c.*202C>T

Gene: SCN1B (sodium voltage-gated channel beta subunit 1; plus strand). Cytogenetic location: 19q13.11.
Variant type: single nucleotide variant.
Coding change: c.*202C>T on transcript NM_001037.5 (MANE Select); 202 bases downstream of the stop codon, C replaced by T.
Molecular consequence: 3 prime UTR variant.
Genome position (GRCh38, 1-based): chr19:35,039,993, C>T. VCF-style: chr19-35039993-C-T. GRCh37 (hg19) VCF-style: chr19-35530897-C-T.
Other names: c.*202C>T (NM_001321605.2).
Identifiers: ClinVar variation 891821 (VCV000891821.4), dbSNP rs72550275, ClinGen allele CA307708195.
Genomic context (GRCh38, chr19:35,039,993, plus strand): 5'-GGGGCAGGGGGCTTGGCTCGCACCCCCACTTTCGCCTCCTCCAGCTCCTGCCCCGCCGGC[C>T]GCGCACCGCCATGCATGATGGGTAAAGCAATACTGCCGCTGCCCCCACCCTGCTTCTGCT-3'